The following is an entry in ClinVar:

NM_001283009.2(RTEL1):c.1310G>A (p.Arg437Gln)

Genes: RTEL1 (regulator of telomere elongation helicase 1; plus strand), RTEL1-TNFRSF6B (RTEL1-TNFRSF6B readthrough (NMD candidate); plus strand). Cytogenetic location: 20q13.33.
Variant type: single nucleotide variant.
Coding change: c.1310G>A on transcript NM_001283009.2 (MANE Select); coding-DNA position 1310, G replaced by A.
Protein change: p.Arg437Gln; replaces arginine 437 with glutamine.
Molecular consequence: missense variant. On other transcripts: non-coding transcript variant (1).
Genome position (GRCh38, 1-based): chr20:63,685,834, G>A. VCF-style: chr20-63685834-G-A. GRCh37 (hg19) VCF-style: chr20-62317187-G-A.
Other names: c.641G>A, p.Arg214Gln (NM_001283010.1); c.1310G>A, p.Arg437Gln (NM_016434.4); c.1382G>A, p.Arg461Gln (NM_032957.5); short protein forms R437Q, R214Q, R461Q.
Identifiers: ClinVar variation 1409134 (VCV001409134.4), dbSNP rs537151019, ClinGen allele CA317505928.
Genomic context (GRCh38, chr20:63,685,834, plus strand): 5'-GGTCCTGTCCCCTCCAGGTGCACATCCATCCTGATGCTGGTCACCGGAGGACGGCTCAGC[G>A]GTCTGATGCCTGGAGCACCACTGCAGCCAGAAAGCGAGGTACAGACCTGGGCCCACACGC-3'
Protein context (NP_001269938.1, residues 427-447): PDAGHRRTAQ[Arg437Gln]SDAWSTTAAR

ClinVar aggregate classification (germline): Uncertain significance (1 of 4 stars; one submission).

Conditions:
Pulmonary fibrosis and/or bone marrow failure, Telomere-related, 3. Also called: PULMONARY FIBROSIS AND/OR BONE MARROW FAILURE SYNDROME, TELOMERE-RELATED, 3. Identifiers: Orphanet 2032, MedGen C4225346, MONDO:0014613, OMIM 616373.
Dyskeratosis congenita, autosomal recessive 5 (DKCB5). Identifiers: MedGen C3554656, MONDO:0014076, OMIM 615190.

gnomAD v4.1: 8 of 1,612,662 alleles (0.0005%); highest among the groups gnomAD compares: African/African-American, 0.0027%; no homozygotes.

Submission:

Labcorp Genetics (formerly Invitae), Labcorp
Classification: Uncertain significance for Dyskeratosis congenita, autosomal recessive 5; Pulmonary fibrosis and/or bone marrow failure, Telomere-related, 3. Last evaluated: 2025-12-22. Review status: criteria provided, single submitter. Criteria: Invitae Variant Classification Sherloc (09022015). Collection method: clinical testing. Allele origin: germline.
Comment: This sequence change replaces arginine, which is basic and polar, with glutamine, which is neutral and polar, at codon 437 of the RTEL1 protein (p.Arg437Gln). This variant is not present in population databases (gnomAD no frequency). This variant has not been reported in the literature in individuals affected with RTEL1-related conditions. ClinVar contains an entry for this variant (Variation ID: 1409134). An algorithm developed to predict the effect of missense changes on protein structure and function outputs the following: PolyPhen-2: "Benign". The glutamine amino acid residue is found in multiple mammalian species, which suggests that this missense change does not adversely affect protein function. In summary, the available evidence is currently insufficient to determine the role of this variant in disease. Therefore, it has been classified as a Variant of Uncertain Significance.